The following is an entry in ClinVar:

ClinVar aggregate classification (germline): Likely pathogenic (1 of 4 stars; one submission).

Submission:

GeneDx
Classification: Likely pathogenic. Last evaluated: 2025-10-23. Review status: criteria provided, single submitter. Criteria: GeneDx Variant Classification Process June 2021. Collection method: clinical testing. Allele origin: germline.
Comment: In-frame deletion of 1 amino acid(s) in a non-repeat region; Not observed at significant frequency in large population cohorts (gnomAD); In silico analysis supports a deleterious effect on protein structure/function; Has not been previously published as pathogenic or benign to our knowledge

NM_000525.4(KCNJ11):c.196_198del (p.Leu66del)

Gene: KCNJ11 (potassium inwardly rectifying channel subfamily J member 11; minus strand). Cytogenetic location: 11p15.1.
Variant type: Deletion.
Coding change: c.196_198del on transcript NM_000525.4 (MANE Select); coding-DNA positions 196 to 198, 3 bases deleted (CTC; older notation c.196_198delCTC).
Protein change: p.Leu66del; deletes leucine 66.
Molecular consequence: inframe deletion. On other transcripts: intron variant (3).
Genome position (GRCh38, 1-based): chr11:17,387,894-17,387,896, GAG deleted on the plus strand (CTC on the coding strand, the reverse complement: KCNJ11 is on the minus strand); deleting any 3 consecutive bases within chr11:17,387,894-17,387,897 gives the same sequence; the c. name uses the placement nearest the transcript's 3' end. VCF-style (leftmost placement, unchanged base first): chr11-17387893-TGAG-T. GRCh37 (hg19) VCF-style: chr11-17409440-TGAG-T.
Other names: c.-16-50_-16-48del (NM_001166290.2, NM_001377297.1, NM_001377296.1); short protein forms L66del.
Identifiers: ClinVar variation 3903137 (VCV003903137.2).